The following is an entry in ClinVar:

ClinVar aggregate classification (germline): Pathogenic (1 of 4 stars; one submission).

Conditions:
TH-deficient dopa-responsive dystonia. Also called: Tyrosine Hydroxylase-Deficient Dopa-Responsive Dystonia; Segawa syndrome, autosomal recessive; DYT-TH. Identifiers: Orphanet 101150, MedGen C2673535, MONDO:0011551, OMIM 605407.

Submission:

Labcorp Genetics (formerly Invitae), Labcorp
Classification: Pathogenic for TH-deficient dopa-responsive dystonia. Last evaluated: 2023-07-19. Review status: criteria provided, single submitter. Criteria: Invitae Variant Classification Sherloc (09022015). Collection method: clinical testing. Allele origin: germline.
Comment: Advanced modeling of protein sequence and biophysical properties (such as structural, functional, and spatial information, amino acid conservation, physicochemical variation, residue mobility, and thermodynamic stability) has been performed at Invitae for this missense variant, however the output from this modeling did not meet the statistical confidence thresholds required to predict the impact of this variant on TH protein function. For these reasons, this variant has been classified as Pathogenic. This missense change has been observed in individual(s) with tyrosine hydroxylase deficiency (PMID: 22815559, 28667724). In at least one individual the data is consistent with being in trans (on the opposite chromosome) from a pathogenic variant. It has also been observed to segregate with disease in related individuals. This variant is not present in population databases (gnomAD no frequency). This sequence change replaces glycine, which is neutral and non-polar, with arginine, which is basic and polar, at codon 428 of the TH protein (p.Gly428Arg).

Literature cited by the submitters: PubMed 22815559; PubMed 28667724.

NM_000360.4(TH):c.1189G>C (p.Gly397Arg)

Gene: TH (tyrosine hydroxylase; minus strand). Cytogenetic location: 11p15.5.
Variant type: single nucleotide variant.
Coding change: c.1189G>C on transcript NM_000360.4 (MANE Select); coding-DNA position 1189, G replaced by C.
Protein change: p.Gly397Arg; replaces glycine 397 with arginine.
Molecular consequence: missense variant.
Genome position (GRCh38, 1-based): chr11:2,165,679, C>G on the plus strand (G>C on the coding strand, the complement: TH is on the minus strand). VCF-style: chr11-2165679-C-G. GRCh37 (hg19) VCF-style: chr11-2186909-C-G.
Other names: c.1282G>C, p.Gly428Arg (NM_199292.3); c.1270G>C, p.Gly424Arg (NM_199293.3); short protein forms G397R, G424R, G428R.
Identifiers: ClinVar variation 2745093 (VCV002745093.3), dbSNP rs1264884607, ClinGen allele CA379125600.